The following is an entry in ClinVar:

ClinVar aggregate classification (germline): Benign/Likely benign. Review status: criteria provided, multiple submitters, no conflicts (2 of 4 stars). 5 submissions from 5 submitters: Benign (1); Likely benign (3). 1 of the submissions does not count toward it. Last evaluated 2025-08-05.

Conditions:
Dilated cardiomyopathy 1DD (CMD1DD). Identifiers: Orphanet 154, MedGen C2750995, MONDO:0013168, OMIM 613172.
RBM20-related disorder. Also called: RBM20-related condition.
Cardiovascular phenotype. Identifiers: MedGen CN230736.

Allele frequency attached by ClinVar (database versions not stated): gnomAD 0.00004 and 0.00005; gnomAD exomes 0.00004 and 0.00015; ExAC 0.00005; TOPMed 0.00007; 1000 Genomes Project 30x 0.00031; 1000 Genomes Project 0.00040.
gnomAD v4.1: 58 of 1,551,942 alleles (0.0037%); highest among the groups gnomAD compares: East Asian, 0.061%; no homozygotes.

Submissions (5):

Labcorp Genetics (formerly Invitae), Labcorp
Classification: Likely benign for Dilated cardiomyopathy 1DD. Last evaluated: 2025-08-05. Review status: criteria provided, single submitter. Criteria: Invitae Variant Classification Sherloc (09022015). Collection method: clinical testing. Allele origin: germline.

Blueprint Genetics
Classification: Likely benign. Last evaluated: 2024-11-05. Review status: criteria provided, single submitter. Criteria: ACMG Guidelines, 2015. Collection method: clinical testing. Allele origin: germline.

Ambry Genetics
Classification: Benign for Cardiovascular phenotype. Last evaluated: 2022-03-14. Review status: criteria provided, single submitter. Criteria: Ambry Variant Classification Scheme 2023. Collection method: clinical testing. Allele origin: germline.

Laboratory for Molecular Medicine, Mass General Brigham Personalized Medicine
Classification: Likely benign. Last evaluated: 2015-02-03. Review status: criteria provided, single submitter. Criteria: LMM Criteria. Collection method: clinical testing. Allele origin: germline. Observed: 1 variant allele.
Comment: p.His147His in exon 2 of RBM20: This variant is not expected to have clinical si gnificance because it does not alter an amino acid residue and is not located wi thin the splice consensus sequence. It has been identified in 1/622 of East Asia n chromosomes by the Exome Aggregation Consortium (ExAC).

PreventionGenetics, part of Exact Sciences
Classification: Likely benign for RBM20-related condition. Last evaluated: 2019-06-13. Review status: no assertion criteria provided. Collection method: clinical testing. Allele origin: germline. Not counted in ClinVar's aggregate classification.
Comment: This variant is classified as likely benign based on ACMG/AMP sequence variant interpretation guidelines (Richards et al. 2015 PMID: 25741868, with internal and published modifications).

NM_001134363.3(RBM20):c.441C>T (p.His147=)

Gene: RBM20 (RNA binding motif protein 20; plus strand). Cytogenetic location: 10q25.2.
Variant type: single nucleotide variant.
Coding change: c.441C>T on transcript NM_001134363.3 (MANE Select); coding-DNA position 441, C replaced by T.
Protein change: p.His147=; no amino-acid change (histidine 147 retained).
Molecular consequence: synonymous variant.
Genome position (GRCh38, 1-based): chr10:110,781,050, C>T. VCF-style: chr10-110781050-C-T. GRCh37 (hg19) VCF-style: chr10-112540808-C-T.
Identifiers: ClinVar variation 227895 (VCV000227895.24), dbSNP rs397516619, ClinGen allele CA5688509.